The following is an entry in ClinVar:

NM_001374736.1(DST):c.3884A>T (p.Asp1295Val)

Gene: DST (dystonin; minus strand). Cytogenetic location: 6p12.1.
Variant type: single nucleotide variant.
Coding change: c.3884A>T on transcript NM_001374736.1 (MANE Select); coding-DNA position 3884, A replaced by T.
Protein change: p.Asp1295Val; replaces aspartic acid 1295 with valine.
Molecular consequence: missense variant.
Genome position (GRCh38, 1-based): chr6:56,631,962, T>A on the plus strand (A>T on the coding strand, the complement: DST is on the minus strand). VCF-style: chr6-56631962-T-A. GRCh37 (hg19) VCF-style: chr6-56496760-T-A.
Other names: c.3785A>T, p.Asp1262Val (NM_001144769.5); c.3371A>T, p.Asp1124Val (NM_001144770.2); c.3884A>T, p.Asp1295Val (NM_001374722.1); c.3251A>T, p.Asp1084Val (NM_001374729.1, NM_001374730.1, NM_001386100.1 and 1 more transcripts); c.3911A>T, p.Asp1304Val (NM_001374734.1); c.2273A>T, p.Asp758Val (NM_001723.7, NM_015548.5); short protein forms D1084V, D1124V, D1262V, D758V, D1295V, D1304V.
Identifiers: ClinVar variation 1416617 (VCV001416617.6), dbSNP rs149475954, ClinGen allele CA3871036.
Genomic context (GRCh38, chr6:56,631,962, plus strand): 5'-AACACACTTTCATGCAAATCATCTCTTTCCAGGGGAGTTCGAATCTGTCTAATCAGCCGA[T>A]CTTCACAGTTCTCTAACCGAAGTCTAATGTTTCGAACTTCAGAGATGTAGAGATTATAAA-3'
Protein context (NP_001361665.1, residues 1285-1305): NIRLRLENCE[Asp1295Val]RLIRQIRTPL

ClinVar aggregate classification (germline): Uncertain significance. Review status: criteria provided, multiple submitters, no conflicts (2 of 4 stars). 2 submissions from 2 submitters: Uncertain significance (2). Last evaluated 2022-09-03.

Conditions:
Hereditary sensory and autonomic neuropathy type 6. Also called: HSAN VI; Neuropathy, hereditary sensory and autonomic, type VI. Identifiers: Orphanet 314381, MedGen C3539003, MONDO:0013839, OMIM 614653.
Epidermolysis bullosa simplex 3, localized or generalized intermediate, with BP230 deficiency (EBS3). Also called: Epidermolysis bullosa simplex, autosomal recessive 2; Epidermolysis bullosa simplex due to BP230 deficiency. Identifiers: Orphanet 412181, MedGen C3809470, MONDO:0014180, OMIM 615425.

Allele frequency attached by ClinVar (database versions not stated): TOPMed 0.00001; gnomAD exomes 0.00002; ESP Exome Variant Server 0.00008.
gnomAD v4.1: 29 of 1,613,602 alleles (0.0018%); highest among the groups gnomAD compares: Non-Finnish European, 0.00051%; no homozygotes.

Submissions (2):

Labcorp Genetics (formerly Invitae), Labcorp
Classification: Uncertain significance for Epidermolysis bullosa simplex 3, localized or generalized intermediate, with BP230 deficiency; Hereditary sensory and autonomic neuropathy type 6. Last evaluated: 2022-09-03. Review status: criteria provided, single submitter. Criteria: Invitae Variant Classification Sherloc (09022015). Collection method: clinical testing. Allele origin: germline.
Comment: This sequence change replaces aspartic acid, which is acidic and polar, with valine, which is neutral and non-polar, at codon 758 of the DST protein (p.Asp758Val). This variant is present in population databases (rs149475954, gnomAD 0.06%). This variant has not been reported in the literature in individuals affected with DST-related conditions. ClinVar contains an entry for this variant (Variation ID: 1416617). Algorithms developed to predict the effect of missense changes on protein structure and function (SIFT, PolyPhen-2, Align-GVGD) all suggest that this variant is likely to be disruptive. In summary, the available evidence is currently insufficient to determine the role of this variant in disease. Therefore, it has been classified as a Variant of Uncertain Significance.

GeneDx
Classification: Uncertain significance. Last evaluated: 2022-07-14. Review status: criteria provided, single submitter. Criteria: GeneDx Variant Classification Process June 2021. Collection method: clinical testing. Allele origin: germline. Affected: yes.
Comment: In silico analysis supports that this missense variant has a deleterious effect on protein structure/function; Has not been previously published as pathogenic or benign to our knowledge